The following is an entry in ClinVar:

NC_000023.10:g.(?_66905832)_(66905988_?)del

Gene: AR (androgen receptor; plus strand). Cytogenetic location: Xq12.
Variant type: Deletion.
Identifiers: ClinVar variation 1071361 (VCV001071361.7).

ClinVar aggregate classification (germline): Pathogenic (1 of 4 stars; one submission).

Conditions:
Androgen resistance syndrome (AIS). Also called: ANDROGEN RECEPTOR DEFICIENCY; DIHYDROTESTOSTERONE RECEPTOR DEFICIENCY; TESTICULAR FEMINIZATION SYNDROME; Androgen insensitivity syndrome; Androgen insensitivity, complete; DHTR DEFICIENCY. Identifiers: Orphanet 754, Orphanet 99429, MedGen C0039585, MONDO:0019154, OMIM 300068. Disease mechanism: loss of function.
Kennedy disease (SMAX1). Also called: KENNEDY SPINAL AND BULBAR MUSCULAR ATROPHY; Spinal and Bulbar Muscular Atrophy; SPINAL AND BULBAR MUSCULAR ATROPHY, X-LINKED 1. Identifiers: Orphanet 481, MedGen C1839259, MONDO:0010735, OMIM 313200.

Submission:

Labcorp Genetics (formerly Invitae), Labcorp
Classification: Pathogenic for Kennedy disease; Androgen resistance syndrome. Last evaluated: 2023-12-26. Review status: criteria provided, single submitter. Criteria: Invitae Variant Classification Sherloc (09022015). Collection method: clinical testing. Allele origin: germline.
Comment: This variant is a gross deletion of the genomic region encompassing exon(s) 3 of the AR gene. This variant would be expected to be in-frame, preserving the integrity of the reading frame. A similar copy number variant has been observed in individual(s) with X-linked androgen insensitivity syndrome (AIS) (PMID: 1508223, 9007482). Algorithms developed to predict the effect of variants on protein structure and function are not available or were not evaluated for this variant. Experimental studies have shown that a similar copy number variant affects AR function (PMID: 1508223). For these reasons, this variant has been classified as Pathogenic.

Literature cited by the submitters: PubMed 1508223; PubMed 9007482.